The following is an entry in ClinVar:

NM_177438.3(DICER1):c.4165C>G (p.Gln1389Glu)

Gene: DICER1 (dicer 1, ribonuclease III; minus strand). Cytogenetic location: 14q32.13.
Variant type: single nucleotide variant.
Coding change: c.4165C>G on transcript NM_177438.3 (MANE Select); coding-DNA position 4165, C replaced by G.
Protein change: p.Gln1389Glu; replaces glutamine 1389 with glutamic acid.
Molecular consequence: missense variant.
Genome position (GRCh38, 1-based): chr14:95,099,821, G>C on the plus strand (C>G on the coding strand, the complement: DICER1 is on the minus strand). VCF-style: chr14-95099821-G-C. GRCh37 (hg19) VCF-style: chr14-95566158-G-C.
Other names: c.4165C>G, p.Gln1389Glu (NM_001195573.1, NM_001271282.3, NM_001291628.2 and 1 more transcripts); short protein forms Q1389E.
Identifiers: ClinVar variation 864116 (VCV000864116.13), dbSNP rs1890715699, ClinGen allele CA390871863.

ClinVar aggregate classification (germline): Uncertain significance. Review status: criteria provided, multiple submitters, no conflicts (2 of 4 stars). 3 submissions from 3 submitters: Uncertain significance (3). Last evaluated 2024-03-25.

Conditions:
Global developmental delay - lung cysts - overgrowth - Wilms tumor syndrome. Also called: GLOBAL DEVELOPMENTAL DELAY, LUNG CYSTS, OVERGROWTH, AND WILMS TUMOR; GLOW Syndrome. Identifiers: Orphanet 404476, MedGen C4748924, MONDO:0018445, OMIM 618272.
Euthyroid goiter (MNG1). Also called: Goiter, multinodular 1, with or without Sertoli-Leydig cell tumors; MULTINODULAR GOITER, ADOLESCENT; SIMPLE GOITER; GOITER, NONTOXIC, WITH INTRATHYROIDAL CALCIFICATION. Identifiers: Orphanet 276399, MedGen C0302859, MONDO:0007681, OMIM 138800, HP:0009798.
Rhabdomyosarcoma, embryonal, 2 (RMSE2). Identifiers: MedGen C1867234, MONDO:0859046, OMIM 180295.
Pleuropulmonary blastoma (PPB). Identifiers: Orphanet 64742, MedGen C1266144, MONDO:0011014, OMIM 601200, HP:0100528.
Hereditary cancer-predisposing syndrome. Also called: Tumor predisposition; Hereditary Cancer Syndrome; Neoplastic Syndromes, Hereditary; Hereditary neoplastic syndrome. Identifiers: Orphanet 140162, MedGen C0027672, MeSH D009386, MONDO:0015356.
DICER1-related tumor predisposition. Also called: DICER1-related pleuropulmonary blastoma cancer predisposition syndrome; DICER1 syndrome. Identifiers: Orphanet 284343, MedGen C3839822, MONDO:0100216.

Submissions (3):

Ambry Genetics
Classification: Uncertain significance for Hereditary cancer-predisposing syndrome. Last evaluated: 2024-03-25. Review status: criteria provided, single submitter. Criteria: Ambry Variant Classification Scheme 2023. Collection method: clinical testing. Allele origin: germline.
Comment: The p.Q1389E variant (also known as c.4165C>G), located in coding exon 21 of the DICER1 gene, results from a C to G substitution at nucleotide position 4165. The glutamine at codon 1389 is replaced by glutamic acid, an amino acid with highly similar properties. This amino acid position is highly conserved in available vertebrate species. In addition, the in silico prediction for this alteration is inconclusive. Since supporting evidence is limited at this time, the clinical significance of this alteration remains unclear.

Fulgent Genetics
Classification: Uncertain significance for Euthyroid goiter; Rhabdomyosarcoma, embryonal, 2; Pleuropulmonary blastoma; Global developmental delay - lung cysts - overgrowth - Wilms tumor syndrome. Last evaluated: 2024-01-17. Review status: criteria provided, single submitter. Criteria: ACMG Guidelines, 2015. Collection method: clinical testing. Allele origin: germline.

Labcorp Genetics (formerly Invitae), Labcorp
Classification: Uncertain significance for DICER1-related tumor predisposition. Last evaluated: 2023-02-02. Review status: criteria provided, single submitter. Criteria: Invitae Variant Classification Sherloc (09022015). Collection method: clinical testing. Allele origin: germline.
Comment: In summary, the available evidence is currently insufficient to determine the role of this variant in disease. Therefore, it has been classified as a Variant of Uncertain Significance. This sequence change replaces glutamine, which is neutral and polar, with glutamic acid, which is acidic and polar, at codon 1389 of the DICER1 protein (p.Gln1389Glu). This variant is not present in population databases (gnomAD no frequency). This variant has not been reported in the literature in individuals affected with DICER1-related conditions. ClinVar contains an entry for this variant (Variation ID: 864116). Advanced modeling of protein sequence and biophysical properties (such as structural, functional, and spatial information, amino acid conservation, physicochemical variation, residue mobility, and thermodynamic stability) performed at Invitae indicates that this missense variant is not expected to disrupt DICER1 protein function.